The following is an entry in ClinVar:

NM_201384.3(PLEC):c.3962C>T (p.Thr1321Met)

Gene: PLEC (plectin; minus strand). Cytogenetic location: 8q24.3.
Variant type: single nucleotide variant.
Coding change: c.3962C>T on transcript NM_201384.3 (MANE Select); coding-DNA position 3962, C replaced by T.
Protein change: p.Thr1321Met; replaces threonine 1321 with methionine.
Molecular consequence: missense variant.
Genome position (GRCh38, 1-based): chr8:143,926,866, G>A on the plus strand (C>T on the coding strand, the complement: PLEC is on the minus strand). VCF-style: chr8-143926866-G-A. GRCh37 (hg19) VCF-style: chr8-145001034-G-A.
Other names: c.4043C>T (NM_000445.3); c.4043C>T, p.Thr1348Met (NM_000445.5); c.3920C>T, p.Thr1307Met (NM_201378.4); c.3896C>T, p.Thr1299Met (NM_201379.3); c.4373C>T, p.Thr1458Met (NM_201380.4); c.3866C>T, p.Thr1289Met (NM_201381.3); c.3962C>T, p.Thr1321Met (NM_201382.4); c.3974C>T, p.Thr1325Met (NM_201383.3); short protein forms T1348M, T1458M, T1307M, T1325M, T1321M, T1289M, T1299M.
Identifiers: ClinVar variation 862039 (VCV000862039.11), dbSNP rs782146862, ClinGen allele CA4926827.

ClinVar aggregate classification (germline): Uncertain significance. Review status: criteria provided, multiple submitters, no conflicts (2 of 4 stars). 4 submissions from 4 submitters: Uncertain significance (4). Last evaluated 2024-11-27.

Conditions:
Epidermolysis bullosa simplex 5B, with muscular dystrophy (EBS5B). Also called: EPIDERMOLYSIS BULLOSA SIMPLEX AND LIMB-GIRDLE MUSCULAR DYSTROPHY; Epidermolysis bullosa simplex with muscular dystrophy. Identifiers: Orphanet 257, MedGen C2931072, MONDO:0009181, OMIM 226670.
Epidermolysis bullosa simplex, Ogna type (EBS5A). Also called: Pidermolysis bullosa simplex 5A, Ogna type; EPIDERMOLYSIS BULLOSA SIMPLEX 5A, OGNA TYPE. Identifiers: Orphanet 79401, MedGen C0432317, MONDO:0007555, OMIM 131950.
Epidermolysis bullosa simplex 5C, with pyloric atresia (EBS5C). Also called: PLEC-Related Epidermolysis Bullosa with Pyloric Atresia; Epidermolysis bullosa simplex with pyloric atresia; PLEC1-Related Epidermolysis Bullosa with Pyloric Atresia. Identifiers: Orphanet 158684, MedGen C2677349, MONDO:0012807, OMIM 612138.
Autosomal recessive limb-girdle muscular dystrophy type 2Q (LGMDR17). Also called: MUSCULAR DYSTROPHY, LIMB-GIRDLE, AUTOSOMAL RECESSIVE 17. Identifiers: Orphanet 254361, MedGen C3150989, MONDO:0013390, OMIM 613723.
Epidermolysis bullosa simplex with nail dystrophy (EBS5D). Identifiers: MedGen C4225309, MONDO:0014661, OMIM 616487.
Inborn genetic diseases. Identifiers: MedGen C0950123, MeSH D030342.

Allele frequency attached by ClinVar (database versions not stated): gnomAD 0.00001; TOPMed 0.00002; ExAC 0.00003; gnomAD exomes 0.00004 and 0.00006.
gnomAD v4.1: 63 of 1,613,200 alleles (0.0039%); highest among the groups gnomAD compares: South Asian, 0.023%; no homozygotes.

Submissions (4):

Labcorp Genetics (formerly Invitae), Labcorp
Classification: Uncertain significance for Autosomal recessive limb-girdle muscular dystrophy type 2Q; Epidermolysis bullosa simplex, Ogna type; Epidermolysis bullosa simplex with nail dystrophy; Epidermolysis bullosa simplex 5C, with pyloric atresia; Epidermolysis bullosa simplex 5B, with muscular dystrophy. Last evaluated: 2024-11-27. Review status: criteria provided, single submitter. Criteria: Invitae Variant Classification Sherloc (09022015). Collection method: clinical testing. Allele origin: germline.
Comment: This sequence change replaces threonine, which is neutral and polar, with methionine, which is neutral and non-polar, at codon 1348 of the PLEC protein (p.Thr1348Met). This variant is present in population databases (rs782146862, gnomAD 0.03%). This variant has not been reported in the literature in individuals affected with PLEC-related conditions. ClinVar contains an entry for this variant (Variation ID: 862039). Invitae Evidence Modeling of protein sequence and biophysical properties (such as structural, functional, and spatial information, amino acid conservation, physicochemical variation, residue mobility, and thermodynamic stability) indicates that this missense variant is not expected to disrupt PLEC protein function with a negative predictive value of 80%. In summary, the available evidence is currently insufficient to determine the role of this variant in disease. Therefore, it has been classified as a Variant of Uncertain Significance.

Blueprint Genetics
Classification: Uncertain significance. Last evaluated: 2024-02-12. Review status: criteria provided, single submitter. Criteria: ACMG Guidelines, 2015. Collection method: clinical testing. Allele origin: germline.

Ambry Genetics
Classification: Uncertain significance for Inborn genetic diseases. Last evaluated: 2022-05-11. Review status: criteria provided, single submitter. Criteria: Ambry Variant Classification Scheme 2023. Collection method: clinical testing. Allele origin: germline.

Revvity Omics, Revvity
Classification: Uncertain significance. Last evaluated: 2020-10-19. Review status: criteria provided, single submitter. Criteria: ACMG Guidelines, 2015. Collection method: clinical testing. Allele origin: germline.